The following is an entry in ClinVar:

ClinVar aggregate classification (germline): Uncertain significance (1 of 4 stars; one submission).

Conditions:
Fanconi anemia (FA). Also called: Fanconi's anemia. Identifiers: Orphanet 84, MedGen C0015625, MeSH D005199, MONDO:0019391.

Submission:

Labcorp Genetics (formerly Invitae), Labcorp
Classification: Uncertain significance for Fanconi anemia. Last evaluated: 2024-03-04. Review status: criteria provided, single submitter. Criteria: Invitae Variant Classification Sherloc (09022015). Collection method: clinical testing. Allele origin: germline.
Comment: This sequence change replaces methionine, which is neutral and non-polar, with lysine, which is basic and polar, at codon 1911 of the FANCM protein (p.Met1911Lys). This variant is present in population databases (no rsID available, gnomAD 0.007%). This variant has not been reported in the literature in individuals affected with FANCM-related conditions. ClinVar contains an entry for this variant (Variation ID: 1449111). An algorithm developed to predict the effect of missense changes on protein structure and function (PolyPhen-2) suggests that this variant is likely to be tolerated. In summary, the available evidence is currently insufficient to determine the role of this variant in disease. Therefore, it has been classified as a Variant of Uncertain Significance.

NM_020937.4(FANCM):c.5732T>A (p.Met1911Lys)

Gene: FANCM (FA complementation group M; plus strand). Cytogenetic location: 14q21.2.
Variant type: single nucleotide variant.
Coding change: c.5732T>A on transcript NM_020937.4 (MANE Select); coding-DNA position 5732, T replaced by A.
Protein change: p.Met1911Lys; replaces methionine 1911 with lysine.
Molecular consequence: missense variant.
Genome position (GRCh38, 1-based): chr14:45,198,659, T>A. VCF-style: chr14-45198659-T-A. GRCh37 (hg19) VCF-style: chr14-45667862-T-A.
Other names: c.5654T>A, p.Met1885Lys (NM_001308133.2); short protein forms M1885K, M1911K.
Identifiers: ClinVar variation 1449111 (VCV001449111.8), dbSNP rs1346827067, ClinGen allele CA389586551.